The following is an entry in ClinVar:

ClinVar aggregate classification (germline): Uncertain significance. Review status: criteria provided, multiple submitters, no conflicts (2 of 4 stars). 2 submissions from 2 submitters: Uncertain significance (2). Last evaluated 2021-12-09.

Conditions:
Neurodevelopmental disorder with progressive microcephaly, spasticity, and brain anomalies. Identifiers: Orphanet 521426, MedGen C4479631, MONDO:0060502, OMIM 617527.

Allele frequency attached by ClinVar (database versions not stated): TOPMed below 0.00001.
gnomAD v4.1: 19 of 1,614,144 alleles (0.0012%); highest among the groups gnomAD compares: Non-Finnish European, 0.0015%; 1 homozygote.

Submissions (2):

Labcorp Genetics (formerly Invitae), Labcorp
Classification: Uncertain significance. Last evaluated: 2021-12-09. Review status: criteria provided, single submitter. Criteria: Invitae Variant Classification Sherloc (09022015). Collection method: clinical testing. Allele origin: germline.
Comment: This sequence change replaces proline, which is neutral and non-polar, with serine, which is neutral and polar, at codon 161 of the PLAA protein (p.Pro161Ser). This variant is present in population databases (rs778429815, gnomAD 0.004%). This variant has not been reported in the literature in individuals affected with PLAA-related conditions. Algorithms developed to predict the effect of missense changes on protein structure and function are either unavailable or do not agree on the potential impact of this missense change (SIFT: "Tolerated"; PolyPhen-2: "Probably Damaging"; Align-GVGD: "Class C0"). In summary, the available evidence is currently insufficient to determine the role of this variant in disease. Therefore, it has been classified as a Variant of Uncertain Significance.

New York Genome Center
Classification: Uncertain significance for Neurodevelopmental disorder with progressive microcephaly, spasticity, and brain anomalies. Last evaluated: 2021-08-27. Review status: criteria provided, single submitter. Criteria: NYGC Assertion Criteria 2020. Collection method: clinical testing. Allele origin: germline. Observed: 1 heterozygote. Study: CSER-NYCKidSeq.

NM_001031689.3(PLAA):c.481C>T (p.Pro161Ser)

Gene: PLAA (phospholipase A2 activating protein; minus strand). Cytogenetic location: 9p21.2.
Variant type: single nucleotide variant.
Coding change: c.481C>T on transcript NM_001031689.3 (MANE Select); coding-DNA position 481, C replaced by T.
Protein change: p.Pro161Ser; replaces proline 161 with serine.
Molecular consequence: missense variant.
Genome position (GRCh38, 1-based): chr9:26,928,184, G>A on the plus strand (C>T on the coding strand, the complement: PLAA is on the minus strand). VCF-style: chr9-26928184-G-A. GRCh37 (hg19) VCF-style: chr9-26928182-G-A.
Other names: c.481C>T, p.Pro161Ser (NM_001321546.2); short protein forms P161S.
Identifiers: ClinVar variation 1701741 (VCV001701741.6), dbSNP rs778429815, ClinGen allele CA5014616.
Genomic context (GRCh38, chr9:26,928,184, plus strand): 5'-CAGCCTTCCACAGTTTAACAGTCTTGTCTGCTGATCCAGTCAACATTAAGCCCTGTTCAG[G>A]TAAGATCTTTACCGCCCACACTGCAGCTGTATGACCCTGTGAGTAAAATGAGTATCAATT-3'
Protein context (NP_001026859.1, residues 151-171): TAAVWAVKIL[Pro161Ser]EQGLMLTGSA